The following is an entry in ClinVar:

NM_032999.4(GTF2I):c.1635T>C (p.Thr545=)

Genes: GTF2I (general transcription factor IIi; plus strand), LOC106029312 (Williams-Beuren syndrome medial block B recombination region; plus strand). Cytogenetic location: 7q11.23.
Variant type: single nucleotide variant.
Coding change: c.1635T>C on transcript NM_032999.4 (MANE Select); coding-DNA position 1635, T replaced by C.
Protein change: p.Thr545=; no amino-acid change (threonine 545 retained).
Molecular consequence: synonymous variant.
Genome position (GRCh38, 1-based): chr7:74,738,060, T>C. VCF-style: chr7-74738060-T-C. GRCh37 (hg19) VCF-style: chr7-74152402-T-C.
Other names: c.1569T>C, p.Thr523= (NM_001163636.3); c.1512T>C, p.Thr504= (NM_001518.5); c.1575T>C, p.Thr525= (NM_033000.4); c.1572T>C, p.Thr524= (NM_033001.4).
Identifiers: ClinVar variation 4085638 (VCV004085638.8).

ClinVar aggregate classification (germline): Likely benign (1 of 4 stars; one submission).

Submission:

CeGaT Center for Human Genetics Tuebingen
Classification: Likely benign. Last evaluated: 2025-07-01. Review status: criteria provided, single submitter. Criteria: CeGaT Center For Human Genetics Tuebingen Variant Classification Criteria Version 2. Collection method: clinical testing. Allele origin: germline. Affected: yes. Observed: 1 variant allele.
Comment: GTF2I: PM2:Supporting, BP4, BP7